The following is an entry in ClinVar:

ClinVar aggregate classification (germline): Uncertain significance (1 of 4 stars; one submission).

Conditions:
EGFR-related lung cancer (EGFR). Identifiers: MedGen CN130014.

Allele frequency attached by ClinVar (database versions not stated): gnomAD exomes below 0.00001.
gnomAD v4.1: 1 of 1,611,402 alleles (0.000062%); highest among the groups gnomAD compares: African/African-American, 0.0013%; no homozygotes.

Submission:

Labcorp Genetics (formerly Invitae), Labcorp
Classification: Uncertain significance for EGFR-related lung cancer. Last evaluated: 2023-11-10. Review status: criteria provided, single submitter. Criteria: Invitae Variant Classification Sherloc (09022015). Collection method: clinical testing. Allele origin: germline.
Comment: This sequence change replaces arginine, which is basic and polar, with tryptophan, which is neutral and slightly polar, at codon 681 of the EGFR protein (p.Arg681Trp). This variant is not present in population databases (gnomAD no frequency). This variant has not been reported in the literature in individuals affected with EGFR-related conditions. ClinVar contains an entry for this variant (Variation ID: 1448998). Advanced modeling of protein sequence and biophysical properties (such as structural, functional, and spatial information, amino acid conservation, physicochemical variation, residue mobility, and thermodynamic stability) has been performed at Invitae for this missense variant, however the output from this modeling did not meet the statistical confidence thresholds required to predict the impact of this variant on EGFR protein function. In summary, the available evidence is currently insufficient to determine the role of this variant in disease. Therefore, it has been classified as a Variant of Uncertain Significance.

NM_005228.5(EGFR):c.2041A>T (p.Arg681Trp)

Gene: EGFR (epidermal growth factor receptor; plus strand). Cytogenetic location: 7p11.2.
Variant type: single nucleotide variant.
Coding change: c.2041A>T on transcript NM_005228.5 (MANE Select); coding-DNA position 2041, A replaced by T.
Protein change: p.Arg681Trp; replaces arginine 681 with tryptophan.
Molecular consequence: missense variant.
Genome position (GRCh38, 1-based): chr7:55,173,104, A>T. VCF-style: chr7-55173104-A-T. GRCh37 (hg19) VCF-style: chr7-55240797-A-T.
Other names: c.1906A>T, p.Arg636Trp (NM_001346897.2, NM_001346899.2); c.2041A>T, p.Arg681Trp (NM_001346898.2); c.1882A>T, p.Arg628Trp (NM_001346900.2); c.1240A>T, p.Arg414Trp (NM_001346941.2); short protein forms R628W, R636W, R681W, R414W.
Identifiers: ClinVar variation 1448998 (VCV001448998.6), dbSNP rs2128952672, ClinGen allele CA367583243.